The following is an entry in ClinVar:

ClinVar aggregate classification (germline): Conflicting classifications of pathogenicity. Review status: criteria provided, conflicting classifications (1 of 4 stars). 2 submissions from 2 submitters: Uncertain significance (1); Likely benign (1). Last evaluated 2022-12-02.

Conditions:
Inborn genetic diseases. Identifiers: MedGen C0950123, MeSH D030342.
Inflammatory bowel disease 25. Also called: Inflammatory bowel disease 25, early onset, autosomal recessive. Identifiers: Orphanet 238569, MedGen C2675508, MONDO:0012941, OMIM 612567.

Allele frequency attached by ClinVar (database versions not stated): gnomAD 0.00001; TOPMed 0.00002.
gnomAD v4.1: 12 of 1,613,918 alleles (0.00074%); highest among the groups gnomAD compares: East Asian, 0.0045%; no homozygotes.

Submissions (2):

Ambry Genetics
Classification: Likely benign for Inborn genetic diseases. Last evaluated: 2022-12-02. Review status: criteria provided, single submitter. Criteria: Ambry Variant Classification Scheme 2023. Collection method: clinical testing. Allele origin: germline.

Labcorp Genetics (formerly Invitae), Labcorp
Classification: Uncertain significance for Inflammatory bowel disease 25. Last evaluated: 2022-09-07. Review status: criteria provided, single submitter. Criteria: Invitae Variant Classification Sherloc (09022015). Collection method: clinical testing. Allele origin: germline.
Comment: In summary, the available evidence is currently insufficient to determine the role of this variant in disease. Therefore, it has been classified as a Variant of Uncertain Significance. Algorithms developed to predict the effect of missense changes on protein structure and function (SIFT, PolyPhen-2, Align-GVGD) all suggest that this variant is likely to be tolerated. ClinVar contains an entry for this variant (Variation ID: 1518715). This variant has not been reported in the literature in individuals affected with IL10RB-related conditions. This variant is present in population databases (rs765506701, gnomAD 0.0009%). This sequence change replaces valine, which is neutral and non-polar, with isoleucine, which is neutral and non-polar, at codon 225 of the IL10RB protein (p.Val225Ile).

NM_000628.5(IL10RB):c.673G>A (p.Val225Ile)

Genes: IFNAR2-IL10RB (IFNAR2-IL10RB readthrough; plus strand), IL10RB (interleukin 10 receptor subunit beta; plus strand). Cytogenetic location: 21q22.11.
Variant type: single nucleotide variant.
Coding change: c.673G>A on transcript NM_000628.5 (MANE Select); coding-DNA position 673, G replaced by A.
Protein change: p.Val225Ile; replaces valine 225 with isoleucine.
Molecular consequence: missense variant.
Genome position (GRCh38, 1-based): chr21:33,288,130, G>A. VCF-style: chr21-33288130-G-A. GRCh37 (hg19) VCF-style: chr21-34660435-G-A.
Other names: c.673G>A (NM_000628.3); short protein forms V225I.
Identifiers: ClinVar variation 1518715 (VCV001518715.8), dbSNP rs765506701, ClinGen allele CA10006216.